The following is an entry in ClinVar:

NM_032436.4(CHAMP1):c.1192C>T (p.Arg398Ter)

Gene: CHAMP1 (chromosome alignment maintaining phosphoprotein 1; plus strand). Cytogenetic location: 13q34.
Variant type: single nucleotide variant.
Coding change: c.1192C>T on transcript NM_032436.4 (MANE Select); coding-DNA position 1192, C replaced by T.
Protein change: p.Arg398Ter; replaces arginine 398 with a stop codon.
Molecular consequence: nonsense.
Genome position (GRCh38, 1-based): chr13:114,325,034, C>T. VCF-style: chr13-114325034-C-T. GRCh37 (hg19) VCF-style: chr13-115090509-C-T.
Other names: c.1192C>T, p.Arg398Ter (NM_001164144.3, NM_001164145.3); short protein forms R398*.
Identifiers: ClinVar variation 208415 (VCV000208415.23), dbSNP rs797044962, ClinGen allele CA204443.
Genomic context (GRCh38, chr13:114,325,034, plus strand): 5'-AGCTCCTGGAAGTCTCCCCCTGCATCTCCTGAGTCATGGAAGTCTGGCCCACCAGAACTC[C>T]GAAAGACAGCTCCCACGTTGTCTCCTGAACATTGGAAGGCAGTTCCCCCAGTGTCTCCAG-3'

ClinVar aggregate classification (germline): Pathogenic. Review status: criteria provided, multiple submitters, no conflicts (2 of 4 stars). 6 submissions from 6 submitters: Pathogenic (5). 1 of the submissions does not count toward it. Last evaluated 2024-10-01.

Conditions:
CHAMP1-related disorder. Also called: CHAMP1-related condition.
intellectual disability with severe speech impairment. Identifiers: MedGen CN232368.
Inborn genetic diseases. Identifiers: MedGen C0950123, MeSH D030342.
Neurodevelopmental disorder with hypotonia, impaired language, and dysmorphic features. Also called: Intellectual disability, autosomal dominant 40. Identifiers: Orphanet 692193, MedGen C5676894, MONDO:0014699, OMIM 616579.

Submissions (6):

CeGaT Center for Human Genetics Tuebingen
Classification: Pathogenic. Last evaluated: 2024-10-01. Review status: criteria provided, single submitter. Criteria: CeGaT Center For Human Genetics Tuebingen Variant Classification Criteria Version 2. Collection method: clinical testing. Allele origin: germline. Affected: yes. Observed: 1 variant allele.
Comment: CHAMP1: PS2, PVS1:Strong, PM2, PS4:Moderate

GeneDx
Classification: Pathogenic. Last evaluated: 2024-04-30. Review status: criteria provided, single submitter. Criteria: GeneDx Variant Classification Process June 2021. Collection method: clinical testing. Allele origin: germline.
Comment: Nonsense variant predicted to result in protein truncation as the last 415 amino acids are lost, although loss-of-function variants have not been reported downstream of this position in the protein; Not observed at significant frequency in large population cohorts (gnomAD); This variant is associated with the following publications: (PMID: 35982160, 33057194, 35982159, 28191890, 31785789, 33004838, 35271727, 36778464, 27148580, 26340335, 23020937)

Blueprint Genetics
Classification: Pathogenic for CHAMP1-related disorders. Last evaluated: 2021-05-25. Review status: criteria provided, single submitter. Criteria: ACMG Guidelines, 2015. Collection method: clinical testing. Allele origin: de novo. Affected: yes. Observed: 1 variant allele.

Ambry Genetics
Classification: Pathogenic for Inborn genetic diseases. Last evaluated: 2017-02-14. Review status: criteria provided, single submitter. Criteria: Ambry exome assertion method (8-5-2015). Collection method: clinical testing. Allele origin: germline. Affected: yes. Observed: 2 variant alleles.

Institute of Human Genetics, University Medical Center Hamburg-Eppendorf
Classification: Pathogenic for intellectual disability with severe speech impairment. Last evaluated: 2015-08-13. Review status: criteria provided, single submitter. Criteria: Submitter's publication. Collection method: research. Allele origin: de novo. Affected: yes.

OMIM
Classification: Pathogenic for NEURODEVELOPMENTAL DISORDER WITH HYPOTONIA, IMPAIRED LANGUAGE, AND DYSMORPHIC FEATURES. Last evaluated: 2015-09-03. Review status: no assertion criteria provided. Collection method: literature only. Allele origin: germline. Not counted in ClinVar's aggregate classification.

Literature cited by the submitters: PubMed 23020937 (cited by Ambry Genetics and OMIM); PubMed 26340335 (cited by Ambry Genetics and OMIM); PubMed 26751395 (cited by Ambry Genetics); PubMed 27148580 (cited by Ambry Genetics); PubMed 24781758 (cited by Institute of Human Genetics, University Medical Center Hamburg-Eppendorf).